The following is an entry in ClinVar:

ClinVar aggregate classification (germline): Uncertain significance (1 of 4 stars; one submission).

Allele frequency attached by ClinVar (database versions not stated): gnomAD exomes below 0.00001.
gnomAD v4.1: 1 of 1,613,710 alleles (0.000062%); highest among the groups gnomAD compares: African/African-American, 0.0013%; no homozygotes.

Submission:

Ambry Genetics
Classification: Uncertain significance. Last evaluated: 2022-08-22. Review status: criteria provided, single submitter. Criteria: Ambry Variant Classification Scheme 2023. Collection method: clinical testing. Allele origin: germline.
Comment: The p.T569K variant (also known as c.1706C>A), located in coding exon 1 of the MLH3 gene, results from a C to A substitution at nucleotide position 1706. The threonine at codon 569 is replaced by lysine, an amino acid with similar properties. This amino acid position is conserved. In addition, this alteration is predicted to be tolerated by in silico analysis. Since supporting evidence is limited at this time, the clinical significance of this alteration remains unclear.

NM_001040108.2(MLH3):c.1706C>A (p.Thr569Lys)

Gene: MLH3 (mutL homolog 3; minus strand). Cytogenetic location: 14q24.3.
Variant type: single nucleotide variant.
Coding change: c.1706C>A on transcript NM_001040108.2 (MANE Select); coding-DNA position 1706, C replaced by A.
Protein change: p.Thr569Lys; replaces threonine 569 with lysine.
Molecular consequence: missense variant.
Genome position (GRCh38, 1-based): chr14:75,047,950, G>T on the plus strand (C>A on the coding strand, the complement: MLH3 is on the minus strand). VCF-style: chr14-75047950-G-T. GRCh37 (hg19) VCF-style: chr14-75514653-G-T.
Other names: c.1706C>A, p.Thr569Lys (NM_014381.3); short protein forms T569K.
Identifiers: ClinVar variation 1778450 (VCV001778450.2), dbSNP rs1566606644, ClinGen allele CA390444589.